The following is an entry in ClinVar:

ClinVar aggregate classification (germline): Conflicting classifications of pathogenicity. Review status: criteria provided, conflicting classifications (1 of 4 stars). 8 submissions from 8 submitters: Uncertain significance (7); Likely benign (1). Last evaluated 2025-11-22.

Conditions:
Familial adenomatous polyposis 1 (FAP1). Also called: FAMILIAL ADENOMATOUS POLYPOSIS 1, ATTENUATED; POLYPOSIS, ADENOMATOUS INTESTINAL. Identifiers: MedGen C2713442, MONDO:0021056, OMIM 175100. Disease mechanism: loss of function.
Hereditary cancer-predisposing syndrome. Also called: Tumor predisposition; Hereditary Cancer Syndrome; Hereditary neoplastic syndrome; Neoplastic Syndromes, Hereditary. Identifiers: Orphanet 140162, MedGen C0027672, MeSH D009386, MONDO:0015356.
Classic or attenuated familial adenomatous polyposis. Identifiers: MedGen CN372698, MONDO:0021057.

Submissions (8):

Labcorp Genetics (formerly Invitae), Labcorp
Classification: Uncertain significance for Familial adenomatous polyposis 1. Last evaluated: 2025-11-22. Review status: criteria provided, single submitter. Criteria: Invitae Variant Classification Sherloc (09022015). Collection method: clinical testing. Allele origin: germline.
Comment: This variant, c.3451_3453del, results in the deletion of 1 amino acid(s) of the APC protein (p.Glu1151del), but otherwise preserves the integrity of the reading frame. This variant is present in population databases (rs761327787, gnomAD 0.01%). This variant has not been reported in the literature in individuals affected with APC-related conditions. ClinVar contains an entry for this variant (Variation ID: 411359). Experimental studies and prediction algorithms are not available or were not evaluated, and the functional significance of this variant is currently unknown. In summary, the available evidence is currently insufficient to determine the role of this variant in disease. Therefore, it has been classified as a Variant of Uncertain Significance.

Quest Diagnostics Nichols Institute San Juan Capistrano
Classification: Uncertain significance. Last evaluated: 2025-05-13. Review status: criteria provided, single submitter. Criteria: Quest Diagnostics criteria. Collection method: clinical testing. Allele origin: unknown.
Comment: The APC c.3451_3453del (p.Glu1151del) variant has been reported in the published literature in an individual with breast and/or ovarian cancer (PMID: 27153395 (2016)). The frequency of this variant in the general population (Genome Aggregation Database) is higher than would generally be expected for pathogenic variants in this gene. Based on the available information, we are unable to determine the clinical significance of this variant.

Color Diagnostics, LLC DBA Color Health
Classification: Uncertain significance for Hereditary cancer-predisposing syndrome. Last evaluated: 2024-07-29. Review status: criteria provided, single submitter. Criteria: ACMG Guidelines, 2015. Collection method: clinical testing. Allele origin: germline.
Comment: This variant causes an in-frame deletion of one amino acid at exon 16 of the APC protein. To our knowledge, functional studies have not been reported for this variant. This variant has not been reported in individuals affected with APC-related disorders in the literature. This variant has been identified in 4/250962 chromosomes in the general population by the Genome Aggregation Database (gnomAD). The available evidence is insufficient to determine the role of this variant in disease conclusively. Therefore, this variant is classified as a Variant of Uncertain Significance.

Baylor Genetics
Classification: Uncertain significance for Familial adenomatous polyposis 1. Last evaluated: 2024-02-20. Review status: criteria provided, single submitter. Criteria: ACMG Guidelines, 2015. Collection method: clinical testing. Allele origin: unknown.

GeneDx
Classification: Uncertain significance. Last evaluated: 2023-11-03. Review status: criteria provided, single submitter. Criteria: GeneDx Variant Classification Process June 2021. Collection method: clinical testing. Allele origin: germline. Affected: yes.
Comment: In-frame deletion of 1 amino acid in the 15 amino-acid repeat beta-catenin binding domain (PMID: 18199528); Reported in an individual with breast and/or ovarian cancer (PMID: 27153395); Not observed at a significant frequency in large population cohorts (gnomAD); In silico analysis supports a deleterious effect on protein structure/function; This variant is associated with the following publications: (PMID: 27153395, 18199528)

All of Us Research Program, National Institutes of Health
Classification: Uncertain significance for Classic or attenuated familial adenomatous polyposis. Last evaluated: 2023-08-15. Review status: criteria provided, single submitter. Criteria: ACMG Guidelines, 2015. Collection method: clinical testing. Allele origin: germline. Inheritance: Autosomal dominant inheritance. Observed: 1 variant allele, 1 heterozygote.
Comment: This variant causes the deletion of one amino acid, glutamic acid 1151, in the APC protein. To our knowledge, functional studies have not been reported for this variant. This variant has been reported in an individual from a hereditary breast and ovarian cancer family (PMID: 27153395). This variant has been identified in 4/250962 chromosomes in the general population by the Genome Aggregation Database (gnomAD). The available evidence is insufficient to determine the role of this variant in disease conclusively. Therefore, this variant is classified as a Variant of Uncertain Significance.

This study involves interpretation of variants in research participants for the purpose of population health screening. Participant phenotype was not available at the time of variant classification. Additional details can be found in publication PMID: 35346344, PMCID: PMC8962531

Women's Health and Genetics/Laboratory Corporation of America, LabCorp
Classification: Uncertain significance. Last evaluated: 2022-04-25. Review status: criteria provided, single submitter. Criteria: LabCorp Variant Classification Summary - May 2015. Collection method: clinical testing. Allele origin: germline.
Comment: Variant summary: APC c.3451_3453delGAA (p.Glu1151del) results in an in-frame deletion that is predicted to remove one amino acid from the encoded protein. The variant allele was found at a frequency of 1.6e-05 in 250962 control chromosomes. The available data on variant occurrences in the general population are insufficient to allow any conclusion about variant significance. To our knowledge, no occurrence of c.3451_3453delGAA in individuals affected with Familial Adenomatous Polyposis and no experimental evidence demonstrating its impact on protein function have been reported. Four clinical diagnostic laboratories have submitted clinical-significance assessments for this variant to ClinVar after 2014 without evidence for independent evaluation. All laboratories classified the variant as uncertain significance. Based on the evidence outlined above, the variant was classified as uncertain significance.

Ambry Genetics
Classification: Likely benign for Hereditary cancer-predisposing syndrome. Last evaluated: 2021-05-21. Review status: criteria provided, single submitter. Criteria: Ambry Variant Classification Scheme 2023. Collection method: clinical testing. Allele origin: germline.

Literature cited by the submitters: PubMed 27153395 (cited by Quest Diagnostics Nichols Institute San Juan Capistrano and All of Us Research Program, National Institutes of Health).

NM_000038.6(APC):c.3445GAA[2] (p.Glu1151del)

Gene: APC (APC regulator of Wnt signaling pathway; plus strand). Cytogenetic location: 5q22.2.
Variant type: Microsatellite.
Coding change: c.3445GAA[2] on transcript NM_000038.6 (MANE Select); two copies in a row of the 3-base unit GAA starting at c.3445; the reference has three copies in a row; one copy, 3 bases deleted; also written c.3451_3453del.
Protein change: p.Glu1151del; deletes glutamic acid 1151.
Molecular consequence: inframe deletion.
Genome position (GRCh38, 1-based): chr5:112,839,045-112,839,047, GAA deleted; deleting any 3 consecutive bases within chr5:112,839,039-112,839,047 gives the same sequence; the position shown is the placement nearest the transcript's 3' end. VCF-style (leftmost placement, unchanged base first): chr5-112839038-TGAA-T. GRCh37 (hg19) VCF-style: chr5-112174735-TGAA-T.
Other names: c.3445GAA[2], p.Glu1151del (NM_001127510.3, NM_001354895.2); c.3391GAA[2], p.Glu1133del (NM_001127511.3); c.3499GAA[2], p.Glu1169del (NM_001354896.2); c.3475GAA[2], p.Glu1161del (NM_001354897.2); c.3370GAA[2], p.Glu1126del (NM_001354898.2); c.3361GAA[2], p.Glu1123del (NM_001354899.2); c.3322GAA[2], p.Glu1110del (NM_001354900.2); c.3268GAA[2], p.Glu1092del (NM_001354901.2); and 6 more; short protein forms E1151del, E1133del, E1092del, E1110del, E1123del, E1161del, E868del, E1060del.
Identifiers: ClinVar variation 411359 (VCV000411359.27), dbSNP rs761327787, ClinGen allele CA035404.